The following is an entry in ClinVar:

ClinVar aggregate classification (germline): Uncertain significance. Review status: criteria provided, multiple submitters, no conflicts (2 of 4 stars). 5 submissions from 4 submitters: Uncertain significance (5). Last evaluated 2025-11-23.

Conditions:
NOD2-related disorder. Also called: NOD2-related condition.
Inflammatory bowel disease 1 (IBD1). Also called: Inflammatory bowel disease 1, Crohn disease; INFLAMMATORY BOWEL DISEASE (CROHN DISEASE) 1. Identifiers: MedGen CN260071, MONDO:0009960, OMIM 266600.
Blau syndrome (BLAUS). Also called: ARTHROCUTANEOUVEAL GRANULOMATOSIS; GRANULOMATOSIS, FAMILIAL JUVENILE SYSTEMIC; GRANULOMATOSIS, FAMILIAL, BLAU TYPE; GRANULOMATOUS INFLAMMATORY ARTHRITIS, DERMATITIS, AND UVEITIS, FAMILIAL; JABS SYNDROME. Identifiers: Orphanet 90340, MedGen C5201146, MONDO:0008523, OMIM 186580.
Inborn genetic diseases. Identifiers: MedGen C0950123, MeSH D030342.
Regional enteritis. Also called: Enteritis, Granulomatous. Identifiers: MedGen C0678202, MeSH D003424.

Allele frequency attached by ClinVar (database versions not stated): TOPMed 0.00002.
gnomAD v4.1: 11 of 1,614,074 alleles (0.00068%); highest among the groups gnomAD compares: Non-Finnish European, 0.00085%; no homozygotes.

Submissions (5):

Labcorp Genetics (formerly Invitae), Labcorp
Classification: Uncertain significance for Regional enteritis; Blau syndrome. Last evaluated: 2025-11-23. Review status: criteria provided, single submitter. Criteria: Invitae Variant Classification Sherloc (09022015). Collection method: clinical testing. Allele origin: germline.
Comment: This sequence change replaces isoleucine, which is neutral and non-polar, with valine, which is neutral and non-polar, at codon 832 of the NOD2 protein (p.Ile832Val). This variant is present in population databases (no rsID available, gnomAD 0.02%). This variant has not been reported in the literature in individuals affected with NOD2-related conditions. ClinVar contains an entry for this variant (Variation ID: 319468). Invitae Evidence Modeling of protein sequence and biophysical properties (such as structural, functional, and spatial information, amino acid conservation, physicochemical variation, residue mobility, and thermodynamic stability) indicates that this missense variant is not expected to disrupt NOD2 protein function with a negative predictive value of 95%. In summary, the available evidence is currently insufficient to determine the role of this variant in disease. Therefore, it has been classified as a Variant of Uncertain Significance.

PreventionGenetics, part of Exact Sciences
Classification: Uncertain significance for NOD2-related condition. Last evaluated: 2024-12-20. Review status: criteria provided, single submitter. Criteria: ACMG Guidelines, 2015. Collection method: clinical testing. Allele origin: germline.
Comment: The NOD2 c.2494A>G variant is predicted to result in the amino acid substitution p.Ile832Val. To our knowledge, this variant has not been reported in the literature. This variant is reported in 0.019% of alleles in individuals of European (Non-Finnish) descent in gnomAD. At this time, the clinical significance of this variant is uncertain due to the absence of conclusive functional and genetic evidence.

Ambry Genetics
Classification: Uncertain significance for Inborn genetic diseases. Last evaluated: 2024-11-24. Review status: criteria provided, single submitter. Criteria: Ambry Variant Classification Scheme 2023. Collection method: clinical testing. Allele origin: germline.

Illumina Laboratory Services, Illumina
Classification: Uncertain significance for Inflammatory bowel disease 1. Last evaluated: 2018-01-13. Review status: criteria provided, single submitter. Criteria: ICSL Variant Classification Criteria 13 December 2019. Collection method: clinical testing. Allele origin: germline.

Illumina Laboratory Services, Illumina
Classification: Uncertain significance for Blau syndrome. Last evaluated: 2018-01-13. Review status: criteria provided, single submitter. Criteria: ICSL Variant Classification Criteria 13 December 2019. Collection method: clinical testing. Allele origin: germline.

NM_001370466.1(NOD2):c.2413A>G (p.Ile805Val)

Gene: NOD2 (nucleotide binding oligomerization domain containing 2; plus strand). Cytogenetic location: 16q12.1.
Variant type: single nucleotide variant.
Coding change: c.2413A>G on transcript NM_001370466.1 (MANE Select); coding-DNA position 2413, A replaced by G.
Protein change: p.Ile805Val; replaces isoleucine 805 with valine.
Molecular consequence: missense variant. On other transcripts: non-coding transcript variant (1).
Genome position (GRCh38, 1-based): chr16:50,716,618, A>G. VCF-style: chr16-50716618-A-G. GRCh37 (hg19) VCF-style: chr16-50750529-A-G.
Other names: c.2494A>G (LRG_177t1); c.2413A>G, p.Ile805Val (NM_001293557.2); c.2494A>G, p.Ile832Val (NM_022162.3); short protein forms I832V, I805V.
Identifiers: ClinVar variation 319468 (VCV000319468.16), dbSNP rs765335094, ClinGen allele CA10648458.